The following is an entry in ClinVar:

ClinVar aggregate classification (germline): Uncertain significance (1 of 4 stars; one submission).

Submission:

GeneDx
Classification: Uncertain significance. Last evaluated: 2025-06-28. Review status: criteria provided, single submitter. Criteria: GeneDx Variant Classification Process June 2021. Collection method: clinical testing. Allele origin: germline. Affected: yes.
Comment: Not observed at significant frequency in large population cohorts (gnomAD); In silico analysis supports that this missense variant has a deleterious effect on protein structure/function; Has not been previously published as pathogenic or benign to our knowledge

NM_001199107.2(TBC1D24):c.707G>T (p.Gly236Val)

Gene: TBC1D24 (TBC1 domain family member 24; plus strand). Cytogenetic location: 16p13.3.
Variant type: single nucleotide variant.
Coding change: c.707G>T on transcript NM_001199107.2 (MANE Select); coding-DNA position 707, G replaced by T.
Protein change: p.Gly236Val; replaces glycine 236 with valine.
Molecular consequence: missense variant.
Genome position (GRCh38, 1-based): chr16:2,496,855, G>T. VCF-style: chr16-2496855-G-T. GRCh37 (hg19) VCF-style: chr16-2546856-G-T.
Other names: c.707G>T, p.Gly236Val (NM_020705.3); short protein forms G236V.
Identifiers: ClinVar variation 4540322 (VCV004540322.1).